The following is an entry in ClinVar:

ClinVar aggregate classification (germline): Pathogenic. Review status: criteria provided, multiple submitters, no conflicts (2 of 4 stars). 2 submissions from 2 submitters: Pathogenic (2). Last evaluated 2025-07-15.

Conditions:
Hereditary cancer-predisposing syndrome. Also called: Hereditary neoplastic syndrome; Hereditary Cancer Syndrome; Tumor predisposition; Neoplastic Syndromes, Hereditary. Identifiers: Orphanet 140162, MedGen C0027672, MeSH D009386, MONDO:0015356.

gnomAD v4.1: 2 of 1,614,040 alleles (0.00012%); highest among the groups gnomAD compares: Non-Finnish European, 0.00017%; no homozygotes.

Submissions (2):

Ambry Genetics
Classification: Pathogenic for Hereditary cancer-predisposing syndrome. Last evaluated: 2025-07-15. Review status: criteria provided, single submitter. Criteria: Ambry Variant Classification Scheme 2023. Collection method: clinical testing. Allele origin: germline.
Comment: The p.E686* pathogenic mutation (also known as c.2056G>T), located in coding exon 14 of the CTNNA1 gene, results from a G to T substitution at nucleotide position 2056. This changes the amino acid from a glutamic acid to a stop codon within coding exon 14. This variant is considered to be rare based on population cohorts in the Genome Aggregation Database (gnomAD). This alteration is expected to result in loss of function by premature protein truncation or nonsense-mediated mRNA decay. As such, this alteration is interpreted as a disease-causing mutation.

Labcorp Genetics (formerly Invitae), Labcorp
Classification: Pathogenic. Last evaluated: 2025-06-09. Review status: criteria provided, single submitter. Criteria: Invitae Variant Classification Sherloc (09022015). Collection method: clinical testing. Allele origin: germline.
Comment: This sequence change creates a premature translational stop signal (p.Glu686*) in the CTNNA1 gene. It is expected to result in an absent or disrupted protein product. Loss-of-function variants in CTNNA1 are known to be pathogenic (PMID: 32051609, 34425242). This variant is not present in population databases (gnomAD no frequency). This variant has not been reported in the literature in individuals affected with CTNNA1-related conditions. ClinVar contains an entry for this variant (Variation ID: 1522226). For these reasons, this variant has been classified as Pathogenic.

Literature cited by the submitters: PubMed 32051609 (cited by Labcorp Genetics (formerly Invitae), Labcorp); PubMed 34425242 (cited by Labcorp Genetics (formerly Invitae), Labcorp).

NM_001903.5(CTNNA1):c.2056G>T (p.Glu686Ter)

Gene: CTNNA1 (catenin alpha 1; plus strand). Cytogenetic location: 5q31.2.
Variant type: single nucleotide variant.
Coding change: c.2056G>T on transcript NM_001903.5 (MANE Select); coding-DNA position 2056, G replaced by T.
Protein change: p.Glu686Ter; replaces glutamic acid 686 with a stop codon.
Molecular consequence: nonsense.
Genome position (GRCh38, 1-based): chr5:138,930,518, G>T. VCF-style: chr5-138930518-G-T. GRCh37 (hg19) VCF-style: chr5-138266207-G-T.
Other names: c.2056G>T (NM_001903.2); c.946G>T, p.Glu316Ter (NM_001323996.1, NM_001323997.1, NM_001323998.1 and 17 more transcripts); c.2056G>T, p.Glu686Ter (NM_001290307.3, NM_001323982.2, NM_001323983.1 and 2 more transcripts); c.1747G>T, p.Glu583Ter (NM_001290309.3); c.1687G>T, p.Glu563Ter (NM_001290310.3); c.1963G>T, p.Glu655Ter (NM_001323986.2); c.607G>T, p.Glu203Ter (NM_001324006.1, NM_001324007.1, NM_001324008.1 and 2 more transcripts); c.853G>T, p.Glu285Ter (NM_001324011.1); and 1 more; short protein forms E235*, E285*, E316*, E563*, E655*, E686*, E203*, E583*.
Identifiers: ClinVar variation 1522226 (VCV001522226.8), dbSNP rs2150334188, ClinGen allele CA361133395.
Genomic context (GRCh38, chr5:138,930,518, plus strand): 5'-TGCTTCTGATCACAGGCGATCATGGCTCAGCTTCCCCAGGAGCAAAAAGCGAAGATTGCG[G>T]AACAGGTGGCCAGCTTCCAGGAAGAAAAGAGCAAGCTGGATGCTGAAGTGTCCAAATGGG-3'